The following is an entry in ClinVar:

ClinVar aggregate classification (germline): Uncertain significance (1 of 4 stars; one submission).

Conditions:
Long QT syndrome (LQTS). Identifiers: MedGen C0023976, MeSH D008133, MONDO:0002442. Disease mechanism: loss of function. Inheritance: Various modes of inheritance.

Allele frequency attached by ClinVar (database versions not stated): gnomAD exomes 0.00001; ExAC 0.00001.
gnomAD v4.1: 7 of 1,613,420 alleles (0.00043%); highest among the groups gnomAD compares: South Asian, 0.0022%; no homozygotes.

Submission:

Labcorp Genetics (formerly Invitae), Labcorp
Classification: Uncertain significance for Long QT syndrome. Last evaluated: 2023-10-15. Review status: criteria provided, single submitter. Criteria: Invitae Variant Classification Sherloc (09022015). Collection method: clinical testing. Allele origin: germline.
Comment: This sequence change creates a premature translational stop signal (p.Arg2099*) in the AKAP9 gene. It is expected to result in an absent or disrupted protein product. However, the current clinical and genetic evidence is not sufficient to establish whether loss-of-function variants in AKAP9 cause disease. This variant is present in population databases (rs747710944, gnomAD 0.006%). This variant has not been reported in the literature in individuals affected with AKAP9-related conditions. ClinVar contains an entry for this variant (Variation ID: 526980). In summary, the available evidence is currently insufficient to determine the role of this variant in disease. Therefore, it has been classified as a Variant of Uncertain Significance.

NM_005751.5(AKAP9):c.6295C>T (p.Arg2099Ter)

Gene: AKAP9 (A-kinase anchoring protein 9; plus strand). Cytogenetic location: 7q21.2.
Variant type: single nucleotide variant.
Coding change: c.6295C>T on transcript NM_005751.5 (MANE Select); coding-DNA position 6295, C replaced by T.
Protein change: p.Arg2099Ter; replaces arginine 2099 with a stop codon.
Molecular consequence: nonsense.
Genome position (GRCh38, 1-based): chr7:92,066,511, C>T. VCF-style: chr7-92066511-C-T. GRCh37 (hg19) VCF-style: chr7-91695825-C-T.
Other names: c.940C>T, p.Arg314Ter (NM_001379277.1); c.6295C>T, p.Arg2099Ter (NM_147185.3); short protein forms R2099*, R314*.
Identifiers: ClinVar variation 526980 (VCV000526980.6), dbSNP rs747710944, ClinGen allele CA4337033.